The following is an entry in ClinVar:

ClinVar aggregate classification (germline): Uncertain significance (1 of 4 stars; one submission).

Allele frequency attached by ClinVar (database versions not stated): gnomAD exomes below 0.00001; TOPMed below 0.00001.

Submission:

Labcorp Genetics (formerly Invitae), Labcorp
Classification: Uncertain significance. Last evaluated: 2021-10-27. Review status: criteria provided, single submitter. Criteria: Invitae Variant Classification Sherloc (09022015). Collection method: clinical testing. Allele origin: germline.
Comment: This sequence change replaces proline, which is neutral and non-polar, with serine, which is neutral and polar, at codon 2747 of the COL7A1 protein (p.Pro2747Ser). This variant is present in population databases (no rsID available, gnomAD 0.0009%). This variant has not been reported in the literature in individuals affected with COL7A1-related conditions. Advanced modeling of protein sequence and biophysical properties (such as structural, functional, and spatial information, amino acid conservation, physicochemical variation, residue mobility, and thermodynamic stability) performed at Invitae indicates that this missense variant is not expected to disrupt COL7A1 protein function. In summary, the available evidence is currently insufficient to determine the role of this variant in disease. Therefore, it has been classified as a Variant of Uncertain Significance.

NM_000094.4(COL7A1):c.8239C>T (p.Pro2747Ser)

Gene: COL7A1 (collagen type VII alpha 1 chain; minus strand). Cytogenetic location: 3p21.31.
Variant type: single nucleotide variant.
Coding change: c.8239C>T on transcript NM_000094.4 (MANE Select); coding-DNA position 8239, C replaced by T.
Protein change: p.Pro2747Ser; replaces proline 2747 with serine.
Molecular consequence: missense variant.
Genome position (GRCh38, 1-based): chr3:48,566,725, G>A on the plus strand (C>T on the coding strand, the complement: COL7A1 is on the minus strand). VCF-style: chr3-48566725-G-A. GRCh37 (hg19) VCF-style: chr3-48604158-G-A.
Other names: short protein forms P2747S.
Identifiers: ClinVar variation 1410519 (VCV001410519.3), dbSNP rs1218556461, ClinGen allele CA352639035.
Genomic context (GRCh38, chr3:48,566,725, plus strand): 5'-CCCCTCTCTCGCCAGGAGCTCCAGGGACCCCAGGAGCCCCCACCACTCTCTCTCCGGGGG[G>A]ACCTCGCTCACCCTGTCAGACACAGGGACCAAGTGAGCAGGGTCAGAGGCAGTGGGGATC-3'
Protein context (NP_000085.1, residues 2737-2757): GLQGQKGERG[Pro2747Ser]PGERVVGAPG